The following is an entry in ClinVar:

ClinVar aggregate classification (germline): Uncertain significance. Review status: criteria provided, multiple submitters, no conflicts (2 of 4 stars). 4 submissions from 4 submitters: Uncertain significance (3). 1 of the submissions does not count toward it. Last evaluated 2025-08-04.

Conditions:
Hyperammonemia, type III (NAGSD). Also called: Hyperammonemia due to N-acetylglutamate synthase deficiency. Identifiers: Orphanet 927, MedGen C0268543, MONDO:0009377, OMIM 237310.
Inborn genetic diseases. Identifiers: MedGen C0950123, MeSH D030342.

Allele frequency attached by ClinVar (database versions not stated): ESP Exome Variant Server 0.00008; gnomAD 0.00011 and 0.00013; TOPMed 0.00012; gnomAD exomes 0.00013 and 0.00022; ExAC 0.00017.
gnomAD v4.1: 334 of 1,613,662 alleles (0.021%); highest among the groups gnomAD compares: Non-Finnish European, 0.027%; no homozygotes.

Submissions (4):

Ambry Genetics
Classification: Uncertain significance for Inborn genetic diseases. Last evaluated: 2025-08-04. Review status: criteria provided, single submitter. Criteria: Ambry Variant Classification Scheme 2023. Collection method: clinical testing. Allele origin: germline.

Labcorp Genetics (formerly Invitae), Labcorp
Classification: Uncertain significance for Hyperammonemia, type III. Last evaluated: 2022-07-15. Review status: criteria provided, single submitter. Criteria: Invitae Variant Classification Sherloc (09022015). Collection method: clinical testing. Allele origin: germline.
Comment: This sequence change replaces arginine, which is basic and polar, with cysteine, which is neutral and slightly polar, at codon 412 of the NAGS protein (p.Arg412Cys). This variant is present in population databases (rs201703838, gnomAD 0.02%), including at least one homozygous and/or hemizygous individual. This variant has not been reported in the literature in individuals affected with NAGS-related conditions. ClinVar contains an entry for this variant (Variation ID: 640286). Algorithms developed to predict the effect of missense changes on protein structure and function are either unavailable or do not agree on the potential impact of this missense change (SIFT: "Deleterious"; PolyPhen-2: "Probably Damaging"; Align-GVGD: "Class C15"). In summary, the available evidence is currently insufficient to determine the role of this variant in disease. Therefore, it has been classified as a Variant of Uncertain Significance.

Illumina Laboratory Services, Illumina
Classification: Uncertain significance for Hyperammonemia, type III. Last evaluated: 2018-01-13. Review status: criteria provided, single submitter. Criteria: ICSL Variant Classification Criteria 13 December 2019. Collection method: clinical testing. Allele origin: germline.

Natera, Inc.
Classification: Uncertain significance for Hyperammonemia type III. Last evaluated: 2020-02-26. Review status: no assertion criteria provided. Collection method: clinical testing. Allele origin: germline. Not counted in ClinVar's aggregate classification.

NM_153006.3(NAGS):c.1234C>T (p.Arg412Cys)

Gene: NAGS (N-acetylglutamate synthase; plus strand). Cytogenetic location: 17q21.31.
Variant type: single nucleotide variant.
Coding change: c.1234C>T on transcript NM_153006.3 (MANE Select); coding-DNA position 1234, C replaced by T.
Protein change: p.Arg412Cys; replaces arginine 412 with cysteine.
Molecular consequence: missense variant.
Genome position (GRCh38, 1-based): chr17:44,007,460, C>T. VCF-style: chr17-44007460-C-T. GRCh37 (hg19) VCF-style: chr17-42084828-C-T.
Other names: short protein forms R412C.
Identifiers: ClinVar variation 640286 (VCV000640286.13), dbSNP rs201703838, ClinGen allele CA8595344.